The following is an entry in ClinVar:

NM_024753.5(TTC21B):c.59A>T (p.His20Leu)

Gene: TTC21B (tetratricopeptide repeat domain 21B; minus strand). Cytogenetic location: 2q24.3.
Variant type: single nucleotide variant.
Coding change: c.59A>T on transcript NM_024753.5 (MANE Select); coding-DNA position 59, A replaced by T.
Protein change: p.His20Leu; replaces histidine 20 with leucine.
Molecular consequence: missense variant.
Genome position (GRCh38, 1-based): chr2:165,949,687, T>A on the plus strand (A>T on the coding strand, the complement: TTC21B is on the minus strand). VCF-style: chr2-165949687-T-A. GRCh37 (hg19) VCF-style: chr2-166806197-T-A.
Other names: short protein forms H20L.
Identifiers: ClinVar variation 4998158 (VCV004998158.1).

ClinVar aggregate classification (germline): Uncertain significance (1 of 4 stars; one submission).

Conditions:
TTC21B-related disorder. Also called: TTC21B-related disorders; TTC21B-related condition.

Submission:

PreventionGenetics, part of Exact Sciences
Classification: Uncertain significance for TTC21B-related condition. Last evaluated: 2025-03-19. Review status: criteria provided, single submitter. Criteria: ACMG Guidelines, 2015. Collection method: clinical testing. Allele origin: germline.
Comment: The TTC21B c.59A>T variant is predicted to result in the amino acid substitution p.His20Leu. To our knowledge, this variant has not been reported in the literature or in a large population database (gnomAD), indicating this variant is rare. At this time, the clinical significance of this variant is uncertain due to the absence of conclusive functional and genetic evidence.